The following is an entry in ClinVar:

ClinVar aggregate classification (germline): Uncertain significance. Review status: criteria provided, multiple submitters, no conflicts (2 of 4 stars). 2 submissions from 2 submitters: Uncertain significance (2). Last evaluated 2024-09-17.

Conditions:
Cardiovascular phenotype. Identifiers: MedGen CN230736.
Long QT syndrome (LQTS). Identifiers: MedGen C0023976, MeSH D008133, MONDO:0002442. Disease mechanism: loss of function. Inheritance: Various modes of inheritance.

gnomAD v4.1: 3 of 1,613,730 alleles (0.00019%); highest among the groups gnomAD compares: East Asian, 0.0045%; no homozygotes.

Submissions (2):

Ambry Genetics
Classification: Uncertain significance for Cardiovascular phenotype. Last evaluated: 2024-09-17. Review status: criteria provided, single submitter. Criteria: Ambry Variant Classification Scheme 2023. Collection method: clinical testing. Allele origin: germline.
Comment: The p.Q265E variant (also known as c.793C>G), located in coding exon 4 of the SNTA1 gene, results from a C to G substitution at nucleotide position 793. The glutamine at codon 265 is replaced by glutamic acid, an amino acid with highly similar properties. This amino acid position is conserved. In addition, this alteration is predicted to be tolerated by in silico analysis. Based on the available evidence, the clinical significance of this variant remains unclear.

Labcorp Genetics (formerly Invitae), Labcorp
Classification: Uncertain significance for Long QT syndrome. Last evaluated: 2024-07-10. Review status: criteria provided, single submitter. Criteria: Invitae Variant Classification Sherloc (09022015). Collection method: clinical testing. Allele origin: germline.
Comment: This sequence change replaces glutamine, which is neutral and polar, with glutamic acid, which is acidic and polar, at codon 265 of the SNTA1 protein (p.Gln265Glu). This variant is present in population databases (rs373610918, gnomAD 0.01%). This variant has not been reported in the literature in individuals affected with SNTA1-related conditions. Advanced modeling of protein sequence and biophysical properties (such as structural, functional, and spatial information, amino acid conservation, physicochemical variation, residue mobility, and thermodynamic stability) performed at Invitae indicates that this missense variant is not expected to disrupt SNTA1 protein function with a negative predictive value of 80%. In summary, the available evidence is currently insufficient to determine the role of this variant in disease. Therefore, it has been classified as a Variant of Uncertain Significance.

NM_003098.3(SNTA1):c.793C>G (p.Gln265Glu)

Gene: SNTA1 (syntrophin alpha 1; minus strand). Cytogenetic location: 20q11.21.
Variant type: single nucleotide variant.
Coding change: c.793C>G on transcript NM_003098.3 (MANE Select); coding-DNA position 793, C replaced by G.
Protein change: p.Gln265Glu; replaces glutamine 265 with glutamic acid.
Molecular consequence: missense variant.
Genome position (GRCh38, 1-based): chr20:33,412,691, G>C on the plus strand (C>G on the coding strand, the complement: SNTA1 is on the minus strand). VCF-style: chr20-33412691-G-C. GRCh37 (hg19) VCF-style: chr20-32000497-G-C.
Other names: c.793C>G, p.Gln265Glu (NM_001424413.1, NM_001424414.1); short protein forms Q265E.
Identifiers: ClinVar variation 3446790 (VCV003446790.3).